The following is an entry in ClinVar:

NM_021120.4(DLG3):c.29G>A (p.Cys10Tyr)

Gene: DLG3 (discs large MAGUK scaffold protein 3; plus strand). Cytogenetic location: Xq13.1.
Variant type: single nucleotide variant.
Coding change: c.29G>A on transcript NM_021120.4 (MANE Select); coding-DNA position 29, G replaced by A.
Protein change: p.Cys10Tyr; replaces cysteine 10 with tyrosine.
Molecular consequence: missense variant.
Genome position (GRCh38, 1-based): chrX:70,445,230, G>A. VCF-style: chrX-70445230-G-A. GRCh37 (hg19) VCF-style: chrX-69665080-G-A.
Other names: short protein forms C10Y.
Identifiers: ClinVar variation 3252795 (VCV003252795.2), dbSNP rs1348046003.

ClinVar aggregate classification (germline): Uncertain significance (1 of 4 stars; one submission).

Submission:

GeneDx
Classification: Uncertain significance. Last evaluated: 2026-07-27. Review status: criteria provided, single submitter. Criteria: GeneDx Variant Classification Process June 2021. Collection method: clinical testing. Allele origin: germline.
Comment: Not observed at significant frequency in large population cohorts (gnomAD); In silico analysis suggests that this missense variant does not alter protein structure/function; Has not been previously published as pathogenic or benign to our knowledge